The following is an entry in ClinVar:

ClinVar aggregate classification (germline): Uncertain significance. Review status: criteria provided, multiple submitters, no conflicts (2 of 4 stars). 2 submissions from 2 submitters: Uncertain significance (2). Last evaluated 2026-04-22.

Conditions:
Intellectual developmental disorder, autosomal dominant 1. Also called: Intellectual disability, autosomal dominant 1; MBD5 Haploinsufficiency. Identifiers: Orphanet 228402, MedGen C1969562, MONDO:0007974, OMIM 156200.

Allele frequency attached by ClinVar (database versions not stated): gnomAD 0.00001; gnomAD exomes 0.00001 and 0.00002; ExAC 0.00002; TOPMed 0.00002.
gnomAD v4.1: 10 of 1,613,838 alleles (0.00062%); highest among the groups gnomAD compares: Admixed American, 0.017%; no homozygotes.

Submissions (2):

Women's Health and Genetics/Laboratory Corporation of America, LabCorp
Classification: Uncertain significance. Last evaluated: 2026-04-22. Review status: criteria provided, single submitter. Criteria: LabCorp Variant Classification Summary - May 2015. Collection method: clinical testing. Allele origin: germline.
Comment: Variant summary: MBD5 c.2308C>T (p.His770Tyr) results in a conservative amino acid change in the encoded protein sequence. Algorithms developed to predict the effect of missense changes on protein structure and function are either unavailable or do not agree on the potential impact of this missense change. The variant allele was found at a frequency of 2e-05 in 250948 control chromosomes. The available data on variant occurrences in the general population are insufficient to allow any conclusion about variant significance. To our knowledge, no occurrence of c.2308C>T in individuals affected with MBD5-related conditions and no experimental evidence demonstrating its impact on protein function have been reported. ClinVar contains an entry for this variant (Variation ID: 1047763). Based on the evidence outlined above, the variant was classified as uncertain significance.

Labcorp Genetics (formerly Invitae), Labcorp
Classification: Uncertain significance for Intellectual developmental disorder, autosomal dominant 1. Last evaluated: 2026-01-28. Review status: criteria provided, single submitter. Criteria: Invitae Variant Classification Sherloc (09022015). Collection method: clinical testing. Allele origin: germline.
Comment: This sequence change replaces histidine, which is basic and polar, with tyrosine, which is neutral and polar, at codon 770 of the MBD5 protein (p.His770Tyr). This variant is present in population databases (rs778118780, gnomAD 0.01%). This variant has not been reported in the literature in individuals affected with MBD5-related conditions. ClinVar contains an entry for this variant (Variation ID: 1047763). Invitae Evidence Modeling of protein sequence and biophysical properties (such as structural, functional, and spatial information, amino acid conservation, physicochemical variation, residue mobility, and thermodynamic stability) indicates that this missense variant is not expected to disrupt MBD5 protein function with a negative predictive value of 80%. In summary, the available evidence is currently insufficient to determine the role of this variant in disease. Therefore, it has been classified as a Variant of Uncertain Significance.

NM_001378120.1(MBD5):c.2308C>T (p.His770Tyr)

Gene: MBD5 (methyl-CpG binding domain protein 5; plus strand). Cytogenetic location: 2q23.1.
Variant type: single nucleotide variant.
Coding change: c.2308C>T on transcript NM_001378120.1 (MANE Select); coding-DNA position 2308, C replaced by T.
Protein change: p.His770Tyr; replaces histidine 770 with tyrosine.
Molecular consequence: missense variant.
Genome position (GRCh38, 1-based): chr2:148,470,251, C>T. VCF-style: chr2-148470251-C-T. GRCh37 (hg19) VCF-style: chr2-149227820-C-T.
Other names: c.2308C>T, p.His770Tyr (NM_018328.5); short protein forms H770Y.
Identifiers: ClinVar variation 1047763 (VCV001047763.8), dbSNP rs778118780, ClinGen allele CA1900122.